The following is an entry in ClinVar:

NM_001040108.2(MLH3):c.3987+4A>G

Gene: MLH3 (mutL homolog 3; minus strand). Cytogenetic location: 14q24.3.
Variant type: single nucleotide variant.
Coding change: c.3987+4A>G on transcript NM_001040108.2 (MANE Select); 4 bases into the intron after coding-DNA position 3987, A replaced by G.
Molecular consequence: intron variant.
Genome position (GRCh38, 1-based): chr14:75,030,539, T>C on the plus strand (A>G on the coding strand, the complement: MLH3 is on the minus strand). VCF-style: chr14-75030539-T-C. GRCh37 (hg19) VCF-style: chr14-75497242-T-C.
Other names: c.3915+4A>G (NM_014381.3).
Identifiers: ClinVar variation 3396637 (VCV003396637.1).

ClinVar aggregate classification (germline): Uncertain significance (1 of 4 stars; one submission).

Submission:

Ambry Genetics
Classification: Uncertain significance. Last evaluated: 2024-09-06. Review status: criteria provided, single submitter. Criteria: Ambry Variant Classification Scheme 2023. Collection method: clinical testing. Allele origin: germline.
Comment: The c.3987+4A>G intronic variant results from an A to G substitution 4 nucleotides after coding exon 8 in the MLH3 gene. This nucleotide position is highly conserved in available vertebrate species. In silico splice site analysis for this alteration is inconclusive. The evidence for this gene-disease relationship is limited; therefore, the clinical significance of this alteration is unclear.